The following is an entry in ClinVar:

ClinVar aggregate classification (germline): Uncertain significance (1 of 4 stars; one submission).

Conditions:
Joubert syndrome 8 (JBTS8). Identifiers: Orphanet 475, MedGen C2676771, MONDO:0012855, OMIM 612291.

Submission:

Labcorp Genetics (formerly Invitae), Labcorp
Classification: Uncertain significance for Joubert syndrome 8. Last evaluated: 2019-11-26. Review status: criteria provided, single submitter. Criteria: Invitae Variant Classification Sherloc (09022015). Collection method: clinical testing. Allele origin: germline.
Comment: In summary, the available evidence is currently insufficient to determine the role of this variant in disease. Therefore, it has been classified as a Variant of Uncertain Significance. Algorithms developed to predict the effect of sequence changes on RNA splicing suggest that this variant is not likely to affect RNA splicing, but this prediction has not been confirmed by published transcriptional studies. This variant has not been reported in the literature in individuals with ARL13B-related conditions. This variant is not present in population databases (ExAC no frequency). This sequence change affects codon 403 of the ARL13B mRNA. It is a 'silent' change, meaning that it does not change the encoded amino acid sequence of the ARL13B protein.

NM_001174150.2(ARL13B):c.1209T>C (p.Asn403=)

Gene: ARL13B (ARF like GTPase 13B; plus strand). Cytogenetic location: 3q11.2.
Variant type: single nucleotide variant.
Coding change: c.1209T>C on transcript NM_001174150.2 (MANE Select); coding-DNA position 1209, T replaced by C.
Protein change: p.Asn403=; no amino-acid change (asparagine 403 retained).
Molecular consequence: synonymous variant. On other transcripts: non-coding transcript variant (2).
Genome position (GRCh38, 1-based): chr3:94,050,891, T>C. VCF-style: chr3-94050891-T-C. GRCh37 (hg19) VCF-style: chr3-93769735-T-C.
Other names: c.900T>C, p.Asn300= (NM_001174151.2); c.1164T>C, p.Asn388= (NM_001321328.2); c.888T>C, p.Asn296= (NM_144996.4); c.1209T>C, p.Asn403= (NM_182896.3).
Identifiers: ClinVar variation 845256 (VCV000845256.6), dbSNP rs762926282, ClinGen allele CA434630020.